The following is an entry in ClinVar:

ClinVar aggregate classification (germline): Uncertain significance (1 of 4 stars; one submission).

Conditions:
Hereditary spastic paraplegia 4. Also called: Familial spastic paraplegia autosomal dominant 2; Spastic paraplegia 4, autosomal dominant; Spastic Paraplegia 4. Identifiers: Orphanet 100985, MedGen C1866855, MONDO:0008438, OMIM 182601.

Submission:

Labcorp Genetics (formerly Invitae), Labcorp
Classification: Uncertain significance for Hereditary spastic paraplegia 4. Last evaluated: 2025-11-10. Review status: criteria provided, single submitter. Criteria: Invitae Variant Classification Sherloc (09022015). Collection method: clinical testing. Allele origin: germline.
Comment: This sequence change replaces lysine, which is basic and polar, with arginine, which is basic and polar, at codon 279 of the SPAST protein (p.Lys279Arg). This variant is not present in population databases (gnomAD no frequency). This variant has not been reported in the literature in individuals affected with SPAST-related conditions. Invitae Evidence Modeling of protein sequence and biophysical properties (such as structural, functional, and spatial information, amino acid conservation, physicochemical variation, residue mobility, and thermodynamic stability) indicates that this missense variant is not expected to disrupt SPAST protein function with a negative predictive value of 80%. In summary, the available evidence is currently insufficient to determine the role of this variant in disease. Therefore, it has been classified as a Variant of Uncertain Significance.

NM_014946.4(SPAST):c.836A>G (p.Lys279Arg)

Gene: SPAST (spastin; plus strand). Cytogenetic location: 2p22.3.
Variant type: single nucleotide variant.
Coding change: c.836A>G on transcript NM_014946.4 (MANE Select); coding-DNA position 836, A replaced by G.
Protein change: p.Lys279Arg; replaces lysine 279 with arginine.
Molecular consequence: missense variant.
Genome position (GRCh38, 1-based): chr2:32,114,791, A>G. VCF-style: chr2-32114791-A-G. GRCh37 (hg19) VCF-style: chr2-32339860-A-G.
Other names: c.833A>G, p.Lys278Arg (NM_001363823.2); c.737A>G, p.Lys246Arg (NM_001363875.2); c.740A>G, p.Lys247Arg (NM_001377959.1, NM_199436.2); short protein forms K278R, K246R, K247R, K279R.
Identifiers: ClinVar variation 4706042 (VCV004706042.1).